The following is an entry in ClinVar:

NM_001048174.2(MUTYH):c.994A>G (p.Arg332Gly)

Gene: MUTYH (mutY DNA glycosylase; minus strand). Cytogenetic location: 1p34.1.
Variant type: single nucleotide variant.
Coding change: c.994A>G on transcript NM_001048174.2 (MANE Select); coding-DNA position 994, A replaced by G.
Protein change: p.Arg332Gly; replaces arginine 332 with glycine.
Molecular consequence: missense variant. On other transcripts: non-coding transcript variant (2).
Genome position (GRCh38, 1-based): chr1:45,331,769, T>C on the plus strand (A>G on the coding strand, the complement: MUTYH is on the minus strand). VCF-style: chr1-45331769-T-C. GRCh37 (hg19) VCF-style: chr1-45797441-T-C.
Other names: c.994A>G, p.Arg332Gly (NM_001048171.2, NM_001048173.2, NM_001293195.2); c.997A>G, p.Arg333Gly (NM_001048172.2); c.1078A>G, p.Arg360Gly (NM_001128425.2); c.1039A>G, p.Arg347Gly (NM_001293190.2); c.1027A>G, p.Arg343Gly (NM_001293191.2); c.718A>G, p.Arg240Gly (NM_001293192.2, NM_001293196.2); c.649A>G, p.Arg217Gly (NM_001350650.2, NM_001350651.2); c.1069A>G, p.Arg357Gly (NM_012222.3); and 1 more; short protein forms R357G, R217G, R332G, R347G, R343G, R240G, R333G, R360G.
Identifiers: ClinVar variation 1402554 (VCV001402554.7), dbSNP rs2149127726, ClinGen allele CA340133656.

ClinVar aggregate classification (germline): Conflicting classifications of pathogenicity. Review status: criteria provided, conflicting classifications (1 of 4 stars). 2 submissions from 2 submitters: Uncertain significance (1); Likely benign (1). Last evaluated 2025-08-19.

Conditions:
Familial adenomatous polyposis 2. Also called: Adenomas, multiple colorectal; MYH-associated polyposis; COLORECTAL ADENOMATOUS POLYPOSIS, AUTOSOMAL RECESSIVE; ADENOMAS, MULTIPLE COLORECTAL, AUTOSOMAL RECESSIVE; FAP type 2; MUTYH Polyposis. Identifiers: Orphanet 220460, Orphanet 247798, MedGen C3272841, MONDO:0012041, OMIM 608456.
Hereditary cancer-predisposing syndrome. Also called: Tumor predisposition; Neoplastic Syndromes, Hereditary; Hereditary Cancer Syndrome; Hereditary neoplastic syndrome. Identifiers: Orphanet 140162, MedGen C0027672, MeSH D009386, MONDO:0015356.

Submissions (2):

Ambry Genetics
Classification: Likely benign for Hereditary cancer-predisposing syndrome. Last evaluated: 2025-08-19. Review status: criteria provided, single submitter. Criteria: Ambry Variant Classification Scheme 2023. Collection method: clinical testing. Allele origin: germline.

Labcorp Genetics (formerly Invitae), Labcorp
Classification: Uncertain significance for Familial adenomatous polyposis 2. Last evaluated: 2024-07-30. Review status: criteria provided, single submitter. Criteria: Invitae Variant Classification Sherloc (09022015). Collection method: clinical testing. Allele origin: germline.
Comment: This sequence change replaces arginine, which is basic and polar, with glycine, which is neutral and non-polar, at codon 360 of the MUTYH protein (p.Arg360Gly). This variant is not present in population databases (gnomAD no frequency). This variant has not been reported in the literature in individuals affected with MUTYH-related conditions. ClinVar contains an entry for this variant (Variation ID: 1402554). An algorithm developed to predict the effect of missense changes on protein structure and function (PolyPhen-2) suggests that this variant is likely to be disruptive. In summary, the available evidence is currently insufficient to determine the role of this variant in disease. Therefore, it has been classified as a Variant of Uncertain Significance.

Literature cited by the submitters: PubMed 40738107 (cited by Ambry Genetics).